The following is an entry in ClinVar:

NM_000536.4(RAG2):c.749C>G (p.Thr250Arg)

Gene: RAG2 (recombination activating 2; minus strand). Cytogenetic location: 11p12.
Variant type: single nucleotide variant.
Coding change: c.749C>G on transcript NM_000536.4 (MANE Select); coding-DNA position 749, C replaced by G.
Protein change: p.Thr250Arg; replaces threonine 250 with arginine.
Molecular consequence: missense variant.
Genome position (GRCh38, 1-based): chr11:36,593,420, G>C on the plus strand (C>G on the coding strand, the complement: RAG2 is on the minus strand). VCF-style: chr11-36593420-G-C. GRCh37 (hg19) VCF-style: chr11-36614970-G-C.
Other names: c.749C>G, p.Thr250Arg (NM_001243785.2, NM_001243786.2); short protein forms T250R.
Identifiers: ClinVar variation 3340456 (VCV003340456.1).

ClinVar aggregate classification (germline): Likely pathogenic (1 of 4 stars; one submission).

Conditions:
Severe combined immunodeficiency, autosomal recessive, T cell-negative, B cell-negative, NK cell-positive. Also called: Severe combined immunodeficiency due to complete RAG1/2 deficiency; SCID, T CELL-NEGATIVE, B CELL-NEGATIVE, NK CELL-POSITIVE; SCID, AR, T-cell negative, B-cell negative, NK cell-positive. Identifiers: Orphanet 331206, MedGen C1832322, MONDO:0011086, OMIM 601457.

Submission:

Seattle Children's Hospital Molecular Genetics Laboratory, Seattle Children's Hospital
Classification: Likely pathogenic for Severe combined immunodeficiency, autosomal recessive, T cell-negative, B cell-negative, NK cell-positive. Review status: criteria provided, single submitter. Criteria: ACMG Guidelines, 2015. Collection method: clinical testing. Allele origin: germline. Affected: yes.
Comment: This variant is a missense change that results in substitution of threonine at amino acid position 250 with arginine. To our knowledge, the p.Thr250Arg variant is absent from patient databases and the medical literature, as well as large population studies (gnomAD v4.0.0). The p.Thr250 is a conserved residue within the core domain, and the majority of in silico tools predict that the p.Thr250Arg change has a damaging effect. While this novel missense variant has not been reported before, we classify it as a likely pathogenic change. This classification is made in consideration of this individual's clinical findings and the observation that this variant is in trans with a known pathogenic variant. Additional information, such as detection in other individuals or functional characterization, may result in variant re-classification in the future.